The following is an entry in ClinVar:

ClinVar aggregate classification (germline): Uncertain significance (1 of 4 stars; one submission).

Conditions:
Inborn genetic diseases. Identifiers: MedGen C0950123, MeSH D030342.

Submission:

Ambry Genetics
Classification: Uncertain significance for Inborn genetic diseases. Last evaluated: 2025-05-11. Review status: criteria provided, single submitter. Criteria: Ambry Variant Classification Scheme 2023. Collection method: clinical testing. Allele origin: germline.
Comment: The p.E571G variant (also known as c.1712A>G), located in coding exon 8 of the MECOM gene, results from an A to G substitution at nucleotide position 1712. The glutamic acid at codon 571 is replaced by glycine, an amino acid with similar properties. This amino acid position is conserved. In addition, this alteration is predicted to be tolerated by in silico analysis. Based on the available evidence, the clinical significance of this variant remains unclear.

NM_004991.4(MECOM):c.1712A>G (p.Glu571Gly)

Gene: MECOM (MDS1 and EVI1 complex locus; minus strand). Cytogenetic location: 3q26.2.
Variant type: single nucleotide variant.
Coding change: c.1712A>G on transcript NM_004991.4 (MANE Select); coding-DNA position 1712, A replaced by G.
Protein change: p.Glu571Gly; replaces glutamic acid 571 with glycine.
Molecular consequence: missense variant. On other transcripts: intron variant (2).
Genome position (GRCh38, 1-based): chr3:169,116,160, T>C on the plus strand (A>G on the coding strand, the complement: MECOM is on the minus strand). VCF-style: chr3-169116160-T-C. GRCh37 (hg19) VCF-style: chr3-168833948-T-C.
Other names: c.1343A>G, p.Glu448Gly (NM_001105077.4); c.1148A>G, p.Glu383Gly (NM_001105078.4, NM_001164000.2, NM_001205194.2 and 4 more transcripts); c.1151A>G, p.Glu384Gly (NM_001163999.2, NM_001366467.2, NM_001366468.2 and 1 more transcripts); c.1712A>G, p.Glu571Gly (NM_001366466.2); c.1133-393A>G (NM_001366473.2); c.569-393A>G (NM_001366474.2); short protein forms E384G, E571G, E383G, E448G.
Identifiers: ClinVar variation 4053247 (VCV004053247.1).